The following is an entry in ClinVar:

ClinVar aggregate classification (germline): Conflicting classifications of pathogenicity. Review status: criteria provided, conflicting classifications (1 of 4 stars). 2 submissions from 2 submitters: Uncertain significance (1); Benign (1). Last evaluated 2023-02-20.

Conditions:
Inborn genetic diseases. Identifiers: MedGen C0950123, MeSH D030342.
Spinocerebellar ataxia, autosomal recessive, with axonal neuropathy 2 (SCAN2). Also called: Ataxia-ocular apraxia-2; Ataxia with Oculomotor Apraxia Type 2; Ataxia with Oculomotor Apraxia; ATAXIA-OCULOMOTOR APRAXIA 2. Identifiers: Orphanet 64753, MedGen C1853761, MONDO:0018996, OMIM 606002.
Amyotrophic lateral sclerosis type 4 (ALS4). Also called: AMYOTROPHIC LATERAL SCLEROSIS 4, JUVENILE; NEURONOPATHY, DISTAL HEREDITARY MOTOR, WITH PYRAMIDAL FEATURES. Identifiers: Orphanet 357043, MedGen C1865409, MONDO:0011223, OMIM 602433.

Allele frequency attached by ClinVar (database versions not stated): gnomAD exomes 0.00001; ExAC 0.00002; TOPMed 0.00006; gnomAD 0.00007; ESP Exome Variant Server 0.00015.
gnomAD v4.1: 13 of 1,613,328 alleles (0.00081%); highest among the groups gnomAD compares: African/African-American, 0.017%; no homozygotes.

Submissions (2):

Ambry Genetics
Classification: Uncertain significance for Inborn genetic diseases. Last evaluated: 2023-02-20. Review status: criteria provided, single submitter. Criteria: Ambry Variant Classification Scheme 2023. Collection method: clinical testing. Allele origin: germline.
Comment: Unlikely to be causative of SETX-related juvenile amyotrophic lateral sclerosis (AD) Based on insufficient or conflicting evidence, the clinical significance of this alteration remains unclear.

Labcorp Genetics (formerly Invitae), Labcorp
Classification: Benign for Amyotrophic lateral sclerosis type 4; Spinocerebellar ataxia, autosomal recessive, with axonal neuropathy 2. Last evaluated: 2022-10-13. Review status: criteria provided, single submitter. Criteria: Invitae Variant Classification Sherloc (09022015). Collection method: clinical testing. Allele origin: germline.

NM_015046.7(SETX):c.5443C>G (p.Pro1815Ala)

Gene: SETX (senataxin; minus strand). Cytogenetic location: 9q34.13.
Variant type: single nucleotide variant.
Coding change: c.5443C>G on transcript NM_015046.7 (MANE Select); coding-DNA position 5443, C replaced by G.
Protein change: p.Pro1815Ala; replaces proline 1815 with alanine.
Molecular consequence: missense variant.
Genome position (GRCh38, 1-based): chr9:132,300,735, G>C on the plus strand (C>G on the coding strand, the complement: SETX is on the minus strand). VCF-style: chr9-132300735-G-C. GRCh37 (hg19) VCF-style: chr9-135176122-G-C.
Other names: c.5443C>G, p.Pro1815Ala (NM_001351527.2, NM_001351528.2); short protein forms P1815A.
Identifiers: ClinVar variation 2042542 (VCV002042542.6), dbSNP rs371614085, ClinGen allele CA5296977.
Genomic context (GRCh38, chr9:132,300,735, plus strand): 5'-CGTGGAGATCTTGTATGTCATTTCTCTCTGTATCTTTCTTCTCTTCATTTATTCTCTCAG[G>C]AGCTAAAAACACCAAATCGTTTTCCTTTGGATAAAGCTGTTTAGCCAGTTCACATTCTTC-3'
Protein context (NP_055861.3, residues 1805-1825): PKENDLVFLA[Pro1815Ala]ERINEEKKDT